The following is an entry in ClinVar:

NM_014844.5(TECPR2):c.1872G>A (p.Ala624=)

Gene: TECPR2 (tectonin beta-propeller repeat containing 2; plus strand). Cytogenetic location: 14q32.31.
Variant type: single nucleotide variant.
Coding change: c.1872G>A on transcript NM_014844.5 (MANE Select); coding-DNA position 1872, G replaced by A.
Protein change: p.Ala624=; no amino-acid change (alanine 624 retained).
Molecular consequence: synonymous variant.
Genome position (GRCh38, 1-based): chr14:102,434,689, G>A. VCF-style: chr14-102434689-G-A. GRCh37 (hg19) VCF-style: chr14-102901026-G-A.
Other names: c.1872G>A, p.Ala624= (NM_001172631.3).
Identifiers: ClinVar variation 699655 (VCV000699655.37), dbSNP rs145129878, ClinGen allele CA7357803.

ClinVar aggregate classification (germline): Likely benign. Review status: criteria provided, multiple submitters, no conflicts (2 of 4 stars). 3 submissions from 3 submitters: Likely benign (2). 1 of the submissions does not count toward it. Last evaluated 2025-10-13.

Conditions:
Hereditary spastic paraplegia 49 (HSAN9). Also called: Spastic paraplegia 49, autosomal recessive; TECPR2-Related Hereditary Sensory and Autonomic Neuropathy with Intellectual Disability; NEUROPATHY, HEREDITARY SENSORY AND AUTONOMIC, TYPE IX, WITH DEVELOPMENTAL DELAY. Identifiers: Orphanet 320385, MedGen C5190860, MONDO:0014016, OMIM 615031.

Allele frequency attached by ClinVar (database versions not stated): 1000 Genomes Project 30x 0.00016; 1000 Genomes Project 0.00020; TOPMed 0.00022; ESP Exome Variant Server 0.00023.
gnomAD v4.1: 344 of 1,613,100 alleles (0.021%); highest among the groups gnomAD compares: Admixed American, 0.018%; 2 homozygotes.

Submissions (3):

Labcorp Genetics (formerly Invitae), Labcorp
Classification: Likely benign for Hereditary spastic paraplegia 49. Last evaluated: 2025-10-13. Review status: criteria provided, single submitter. Criteria: Invitae Variant Classification Sherloc (09022015). Collection method: clinical testing. Allele origin: germline.

CeGaT Center for Human Genetics Tuebingen
Classification: Likely benign. Last evaluated: 2025-04-01. Review status: criteria provided, single submitter. Criteria: CeGaT Center For Human Genetics Tuebingen Variant Classification Criteria Version 2. Collection method: clinical testing. Allele origin: germline. Affected: yes. Observed: 2 variant alleles.
Comment: TECPR2: BP4, BP7

Natera, Inc.
Classification: Benign for Autosomal recessive spastic paraplegia type 49. Last evaluated: 2020-04-16. Review status: no assertion criteria provided. Collection method: clinical testing. Allele origin: germline. Not counted in ClinVar's aggregate classification.